The following is an entry in ClinVar:

NM_000137.4(FAH):c.860del (p.Leu287fs)

Gene: FAH (fumarylacetoacetate hydrolase; plus strand). Cytogenetic location: 15q25.1.
Variant type: Deletion.
Coding change: c.860del on transcript NM_000137.4 (MANE Select); coding-DNA position 860, one base deleted (T; older notation c.860delT).
Protein change: p.Leu287fs; shifts the reading frame from leucine 287.
Molecular consequence: frameshift variant.
Genome position (GRCh38, 1-based): chr15:80,175,038, T deleted. VCF-style (leftmost placement, unchanged base first): chr15-80175037-CT-C. GRCh37 (hg19) VCF-style: chr15-80467379-CT-C.
Other names: c.860del, p.Leu287fs (NM_001374377.1, NM_001374380.1); short protein forms L287fs.
Identifiers: ClinVar variation 1380695 (VCV001380695.6), dbSNP rs2142103306, ClinGen allele CA2573151211.

ClinVar aggregate classification (germline): Pathogenic (1 of 4 stars; one submission).

Conditions:
Tyrosinemia type I (TYRSN1). Also called: FAH DEFICIENCY; Tyrosinemia type 1; Fumarylacetoacetase deficiency; Deficiency of fumarylacetoacetase; HEPATORENAL TYROSINEMIA. Identifiers: Orphanet 882, MedGen C0268490, MONDO:0010161, OMIM 276700. Disease mechanism: loss of function.

Submission:

Labcorp Genetics (formerly Invitae), Labcorp
Classification: Pathogenic for Tyrosinemia type I. Last evaluated: 2021-06-30. Review status: criteria provided, single submitter. Criteria: Invitae Variant Classification Sherloc (09022015). Collection method: clinical testing. Allele origin: germline.
Comment: This sequence change creates a premature translational stop signal (p.Leu287Argfs*17) in the FAH gene. It is expected to result in an absent or disrupted protein product. Loss-of-function variants in FAH are known to be pathogenic (PMID: 9101289, 9633815). This variant is not present in population databases (ExAC no frequency). This variant has not been reported in the literature in individuals affected with FAH-related conditions. For these reasons, this variant has been classified as Pathogenic.

Literature cited by the submitters: PubMed 9101289; PubMed 9633815.